The following is an entry in ClinVar:

ClinVar aggregate classification (germline): Likely pathogenic (1 of 4 stars; one submission).

Conditions:
Cardiovascular phenotype. Identifiers: MedGen CN230736.

Submission:

Molecular Diagnostic Laboratory for Inherited Cardiovascular Disease, Montreal Heart Institute
Classification: Likely pathogenic for Cardiovascular phenotype. Last evaluated: 2025-07-04. Review status: criteria provided, single submitter. Criteria: ACMG Guidelines, 2015. Collection method: clinical testing. Allele origin: germline. Affected: yes.
Comment: PVS1, PM2

NM_001458.5(FLNC):c.3056dup (p.Gly1020fs)

Gene: FLNC (filamin C; plus strand). Cytogenetic location: 7q32.1.
Variant type: Duplication.
Coding change: c.3056dup on transcript NM_001458.5 (MANE Select); coding-DNA position 3056, one base duplicated (G; older notation c.3056dupG).
Protein change: p.Gly1020fs; shifts the reading frame from glycine 1020.
Molecular consequence: frameshift variant.
Genome position (GRCh38, 1-based): chr7:128,844,130, G duplicated; the last of 2 consecutive G bases (chr7:128,844,129-128,844,130); duplicating either gives the same sequence. VCF-style (leftmost placement, unchanged base first): chr7-128844128-C-CG. GRCh37 (hg19) VCF-style: chr7-128484182-C-CG.
Other names: c.3056dup, p.Gly1020fs (NM_001127487.2); short protein forms G1020fs.
Identifiers: ClinVar variation 4076470 (VCV004076470.1).